The following is an entry in ClinVar:

NM_000158.4(GBE1):c.217_218insGTCTCTTATACAC (p.Tyr73fs)

Gene: GBE1 (1,4-alpha-glucan branching enzyme 1; minus strand). Cytogenetic location: 3p12.2.
Variant type: Insertion.
Coding change: c.217_218insGTCTCTTATACAC on transcript NM_000158.4 (MANE Select); coding-DNA positions 217 to 218, GTCTCTTATACAC inserted.
Protein change: p.Tyr73fs; shifts the reading frame from tyrosine 73.
Molecular consequence: frameshift variant.
Genome position: GRCh38 VCF-style: chr3-81705539-T-TGTGTATAAGAGAC. GRCh37 (hg19) VCF-style: chr3-81754690-T-TGTGTATAAGAGAC.
Other names: short protein forms Y73fs.
Identifiers: ClinVar variation 5011210 (VCV005011210.1).

ClinVar aggregate classification (germline): Pathogenic (1 of 4 stars; one submission).

Conditions:
Glycogen storage disease, type IV (GSD4). Also called: AMYLOPECTINOSIS; ANDERSEN DISEASE; BRANCHER DEFICIENCY; CIRRHOSIS, FAMILIAL, WITH DEPOSITION OF ABNORMAL GLYCOGEN; GBE1 DEFICIENCY; GLYCOGEN BRANCHING ENZYME DEFICIENCY. Identifiers: Orphanet 367, MedGen C0017923, MONDO:0009292, OMIM 232500.

Submission:

Myriad Genetics, Inc.
Classification: Pathogenic for Glycogen storage disease, type IV. Last evaluated: 2024-05-14. Review status: criteria provided, single submitter. Criteria: Myriad Autosomal Dominant, Autosomal Recessive and X-Linked Classification Criteria (2023). Collection method: clinical testing. Allele origin: unknown.
Comment: NM_000158.3(GBE1):c.217_218ins13(Y73Cfs*6) is expected to be pathogenic in the context of glycogen storage disease, GBE1-related. This variant is predicted to lead to an abnormal or absent protein product due to the creation of a premature termination codon in GBE1, a gene where loss-of-function variants are known to be pathogenic. Please note: this variant was assessed in the context of healthy population screening.